The following is an entry in ClinVar:

NM_024747.6(HPS6):c.1674dup (p.Asn559fs)

Gene: HPS6 (HPS6 biogenesis of lysosomal organelles complex 2 subunit 3; plus strand). Cytogenetic location: 10q24.32.
Variant type: Duplication.
Coding change: c.1674dup on transcript NM_024747.6 (MANE Select); coding-DNA position 1674, one base duplicated (C; older notation c.1674dupC).
Protein change: p.Asn559fs; shifts the reading frame from asparagine 559.
Molecular consequence: frameshift variant.
Genome position (GRCh38, 1-based): chr10:102,067,148, C duplicated; the last of 6 consecutive C bases (chr10:102,067,143-102,067,148); duplicating any one gives the same sequence. VCF-style (leftmost placement, unchanged base first): chr10-102067142-A-AC. GRCh37 (hg19) VCF-style: chr10-103826899-A-AC.
Other names: short protein forms N559fs.
Identifiers: ClinVar variation 2877834 (VCV002877834.5), dbSNP rs764867254, ClinGen allele CA595248911.

ClinVar aggregate classification (germline): Pathogenic/Likely pathogenic. Review status: criteria provided, multiple submitters, no conflicts (2 of 4 stars). 2 submissions from 2 submitters: Pathogenic (1); Likely pathogenic (1). Last evaluated 2024-02-14.

Conditions:
Hermansky-Pudlak syndrome 6 (HPS6). Identifiers: Orphanet 231512, Orphanet 79430, MedGen C3888007, MONDO:0013558, OMIM 614075.

Submissions (2):

Labcorp Genetics (formerly Invitae), Labcorp
Classification: Pathogenic. Last evaluated: 2024-02-14. Review status: criteria provided, single submitter. Criteria: Invitae Variant Classification Sherloc (09022015). Collection method: clinical testing. Allele origin: germline.
Comment: This sequence change creates a premature translational stop signal (p.Asn559Glnfs*8) in the HPS6 gene. While this is not anticipated to result in nonsense mediated decay, it is expected to disrupt the last 217 amino acid(s) of the HPS6 protein. This variant is present in population databases (no rsID available, gnomAD 0.007%). This variant has not been reported in the literature in individuals affected with HPS6-related conditions. This variant disrupts a region of the HPS6 protein in which other variant(s) (p.Arg667*) have been determined to be pathogenic (PMID: 33878481). This suggests that this is a clinically significant region of the protein, and that variants that disrupt it are likely to be disease-causing. For these reasons, this variant has been classified as Pathogenic.

Kariminejad - Najmabadi Pathology & Genetics Center
Classification: Likely pathogenic for Hermansky-Pudlak syndrome 6. Review status: criteria provided, single submitter. Criteria: ACMG Guidelines, 2015. Collection method: clinical testing. Allele origin: germline. Affected: no.

Literature cited by the submitters: PubMed 33878481 (cited by Labcorp Genetics (formerly Invitae), Labcorp).